The following is an entry in ClinVar:

ClinVar aggregate classification (germline): Benign. Review status: criteria provided, multiple submitters, no conflicts (2 of 4 stars). 2 submissions from 2 submitters: Benign (2). Last evaluated 2018-06-19.

Allele frequency attached by ClinVar (database versions not stated): ExAC 0.00966; ESP Exome Variant Server 0.03752; 1000 Genomes Project 0.05671; 1000 Genomes Project 30x 0.06168; TOPMed 0.06594.
gnomAD v4.1: 16,127 of 1,487,746 alleles (1.1%); highest among the groups gnomAD compares: African/African-American, 19%; 1,344 homozygotes.

Submissions (2):

GeneDx
Classification: Benign. Last evaluated: 2018-06-19. Review status: criteria provided, single submitter. Criteria: GeneDx Variant Classification (06012015). Collection method: clinical testing. Allele origin: germline. Affected: yes.
Comment: This variant is considered likely benign or benign based on one or more of the following criteria: it is a conservative change, it occurs at a poorly conserved position in the protein, it is predicted to be benign by multiple in silico algorithms, and/or has population frequency not consistent with disease.

Breakthrough Genomics
Classification: Benign. Review status: criteria provided, single submitter. Criteria: ACMG Guidelines, 2015. Collection method: not provided. Allele origin: germline. Inheritance: Autosomal recessive inheritance. Affected: yes.

NM_198576.4(AGRN):c.4106-45A>G

Gene: AGRN (agrin; plus strand). Cytogenetic location: 1p36.33.
Variant type: single nucleotide variant.
Coding change: c.4106-45A>G on transcript NM_198576.4 (MANE Select); 45 bases into the intron before coding-DNA position 4106, A replaced by G.
Molecular consequence: intron variant.
Genome position (GRCh38, 1-based): chr1:1,048,822, A>G. VCF-style: chr1-1048822-A-G. GRCh37 (hg19) VCF-style: chr1-984202-A-G.
Other names: c.4106-45A>G (NM_001305275.2); c.3791-45A>G (NM_001364727.2).
Identifiers: ClinVar variation 678950 (VCV000678950.2), dbSNP rs115499153, ClinGen allele CA509315.